The following is an entry in ClinVar:

ClinVar aggregate classification (germline): Uncertain significance (1 of 4 stars; one submission).

Conditions:
KIDINS220-related disorder. Also called: KIDINS220-related condition.

Submission:

PreventionGenetics, part of Exact Sciences
Classification: Uncertain significance for KIDINS220-related condition. Last evaluated: 2025-03-27. Review status: criteria provided, single submitter. Criteria: ACMG Guidelines, 2015. Collection method: clinical testing. Allele origin: germline.
Comment: The KIDINS220 c.5061_5063delCAA variant is predicted to result in an in-frame deletion (p.Asn1688del). To our knowledge, this variant has not been reported in the literature or in a large population database (gnomAD), indicating this variant is rare. At this time, the clinical significance of this variant is uncertain due to the absence of conclusive functional and genetic evidence.

NM_020738.4(KIDINS220):c.5058CAA[1] (p.Asn1688del)

Gene: KIDINS220 (kinase D interacting substrate 220; minus strand). Cytogenetic location: 2p25.1.
Variant type: Microsatellite.
Coding change: c.5058CAA[1] on transcript NM_020738.4 (MANE Select); one copy of the 3-base unit CAA starting at c.5058; the reference has two copies in a row; one copy, 3 bases deleted.
Protein change: p.Asn1688del; deletes asparagine 1688.
Molecular consequence: inframe deletion. On other transcripts: intron variant (6).
Genome position (GRCh38, 1-based): chr2:8,730,973-8,730,975, TTG deleted on the plus strand (CAA on the coding strand, the reverse complement: KIDINS220 is on the minus strand); deleting any 3 consecutive bases within chr2:8,730,973-8,730,980 gives the same sequence; the position shown is the placement nearest the transcript's 3' end. VCF-style (leftmost placement, unchanged base first): chr2-8730972-ATTG-A. GRCh37 (hg19) VCF-style: chr2-8871102-ATTG-A.
Other names: c.5061CAA[1], p.Asn1689del (NM_001348729.2); c.5004CAA[1], p.Asn1670del (NM_001348731.2); c.5001CAA[1], p.Asn1669del (NM_001348732.2); c.4890CAA[1], p.Asn1632del (NM_001348734.2); c.4887CAA[1], p.Asn1631del (NM_001348735.2); c.4761CAA[1], p.Asn1589del (NM_001348736.2); c.3882+2469_3882+2471del (NM_001348741.2, NM_001348742.2, NM_001348743.2); c.3996+2469_3996+2471del (NM_001348738.2); and 1 more; short protein forms N1589del, N1688del, N1631del, N1632del, N1689del, N1669del, N1670del.
Identifiers: ClinVar variation 4985247 (VCV004985247.1).